The following is an entry in ClinVar:

NM_001791.4(CDC42):c.276C>T (p.Asn92=)

Gene: CDC42 (cell division cycle 42; plus strand). Cytogenetic location: 1p36.12.
Variant type: single nucleotide variant.
Coding change: c.276C>T on transcript NM_001791.4 (MANE Select); coding-DNA position 276, C replaced by T.
Protein change: p.Asn92=; no amino-acid change (asparagine 92 retained).
Molecular consequence: synonymous variant.
Genome position (GRCh38, 1-based): chr1:22,086,536, C>T. VCF-style: chr1-22086536-C-T. GRCh37 (hg19) VCF-style: chr1-22413029-C-T.
Other names: p.Asn92=; c.276C>T, p.Asn92= (NM_001039802.2, NM_044472.3).
Identifiers: ClinVar variation 730778 (VCV000730778.37), dbSNP rs16826534, ClinGen allele CA675103.

ClinVar aggregate classification (germline): Benign/Likely benign. Review status: criteria provided, multiple submitters, no conflicts (2 of 4 stars). 5 submissions from 5 submitters: Benign (2); Likely benign (3). Last evaluated 2026-06-01.

Allele frequency attached by ClinVar (database versions not stated): ESP Exome Variant Server 0.00108; 1000 Genomes Project 0.00120; gnomAD exomes 0.00121 and 0.00146; gnomAD 0.00086 and 0.00087; 1000 Genomes Project 30x 0.00094; TOPMed 0.00094; ExAC 0.00099.
gnomAD v4.1: 2,278 of 1,607,852 alleles (0.14%); highest among the groups gnomAD compares: East Asian, 0.28%; 5 homozygotes.

Submissions (5):

CeGaT Center for Human Genetics Tuebingen
Classification: Likely benign. Last evaluated: 2026-06-01. Review status: criteria provided, single submitter. Criteria: CeGaT Center For Human Genetics Tuebingen Variant Classification Criteria Version 2. Collection method: clinical testing. Allele origin: germline. Affected: yes. Observed: 6 variant alleles.
Comment: CDC42: BP4, BS1

Women's Health and Genetics/Laboratory Corporation of America, LabCorp
Classification: Benign. Last evaluated: 2026-04-15. Review status: criteria provided, single submitter. Criteria: LabCorp Variant Classification Summary - May 2015. Collection method: clinical testing. Allele origin: germline.

Labcorp Genetics (formerly Invitae), Labcorp
Classification: Benign. Last evaluated: 2026-01-12. Review status: criteria provided, single submitter. Criteria: Invitae Variant Classification Sherloc (09022015). Collection method: clinical testing. Allele origin: germline.

Mayo Clinic Laboratories, Mayo Clinic
Classification: Likely benign. Last evaluated: 2025-12-08. Review status: criteria provided, single submitter. Criteria: ACMG Guidelines, 2015. Collection method: clinical testing. Allele origin: germline. Observed: 7 variant alleles.
Comment: BS1, BP4, BP7

Blueprint Genetics
Classification: Likely benign. Last evaluated: 2024-11-22. Review status: criteria provided, single submitter. Criteria: ACMG Guidelines, 2015. Collection method: clinical testing. Allele origin: germline.